The following is an entry in ClinVar:

NM_001035.3(RYR2):c.1357_1359delinsTGT (p.Ser453Cys)

Gene: RYR2 (ryanodine receptor 2; plus strand). Cytogenetic location: 1q43.
Variant type: Indel.
Coding change: c.1357_1359delinsTGT on transcript NM_001035.3 (MANE Select); coding-DNA positions 1357 to 1359, AGC replaced by TGT.
Protein change: p.Ser453Cys; replaces serine 453 with cysteine.
Molecular consequence: missense variant.
Genome position (GRCh38, 1-based): chr1:237,454,455-237,454,457, AGC replaced by TGT. VCF-style: chr1-237454455-AGC-TGT. GRCh37 (hg19) VCF-style: chr1-237617755-AGC-TGT.
Other names: short protein forms S453C.
Identifiers: ClinVar variation 3315880 (VCV003315880.2).

ClinVar aggregate classification (germline): Uncertain significance. Review status: criteria provided, multiple submitters, no conflicts (2 of 4 stars). 2 submissions from 2 submitters: Uncertain significance (2). Last evaluated 2025-06-23.

Conditions:
Cardiomyopathy (CMYO). Also called: Cardiomyopathies. Identifiers: Orphanet 167848, MedGen C0878544, MONDO:0004994, HP:0001638. Inheritance: Various modes of inheritance.
Cardiovascular phenotype. Identifiers: MedGen CN230736.

Submissions (2):

Color Diagnostics, LLC DBA Color Health
Classification: Uncertain significance for Cardiomyopathy. Last evaluated: 2025-06-23. Review status: criteria provided, single submitter. Criteria: ACMG Guidelines, 2015. Collection method: clinical testing. Allele origin: germline.
Comment: This missense variant replaces serine with cysteine at codon 453 of the RYR2 protein. To our knowledge, functional studies have not been reported for this variant. This variant has not been reported in individuals affected with RYR2-related disorders in the literature. This variant has not been identified in the general population by the Genome Aggregation Database (gnomAD). The available evidence is insufficient to determine the role of this variant in disease conclusively. Therefore, this variant is classified as a Variant of Uncertain Significance.

Ambry Genetics
Classification: Uncertain significance for Cardiovascular phenotype. Last evaluated: 2024-03-26. Review status: criteria provided, single submitter. Criteria: Ambry Variant Classification Scheme 2023. Collection method: clinical testing. Allele origin: germline.
Comment: The c.1357_1359delAGCinsTGT variant, located in coding exon 15 of the RYR2 gene, results from an in-frame deletion of AGC and insertion of TGT at nucleotide positions 1357 to 1359. This results in the substitution of the serine residue for a cysteine residue at codon 453, an amino acid with dissimilar properties. This amino acid position is well conserved in available vertebrate species. In addition, the in silico prediction for this alteration is inconclusive. Based on the available evidence, the clinical significance of this alteration remains unclear.